The following is an entry in ClinVar:

ClinVar aggregate classification (germline): Conflicting classifications of pathogenicity. Review status: criteria provided, conflicting classifications (1 of 4 stars). 6 submissions from 5 submitters: Uncertain significance (1); Benign (3); Likely benign (2). Last evaluated 2026-05-01.

Conditions:
Glucocorticoid-remediable aldosteronism. Also called: FH I; GLUCOCORTICOID-SUPPRESSIBLE HYPERALDOSTERONISM; Hyperaldosteronism, familial, type I; ALDOSTERONISM, SENSITIVE TO DEXAMETHASONE; ACTH-DEPENDENT HYPERALDOSTERONISM SYNDROME. Identifiers: Orphanet 403, MedGen C3838731, MONDO:0007080, OMIM 103900.
Deficiency of steroid 11-beta-monooxygenase (CYP11B1). Also called: ADRENAL HYPERPLASIA IV; Congenital adrenal hyperplasia due to 11-beta-hydroxylase deficiency; ADRENAL HYPERPLASIA, CONGENITAL, DUE TO STEROID 11-BETA-HYDROXYLASE DEFICIENCY; P450C11B1 DEFICIENCY; STEROID 11-BETA-HYDROXYLASE DEFICIENCY; 11-BETA-HYDROXYLASE DEFICIENCY. Identifiers: Orphanet 90795, MedGen C0268292, MONDO:0008729, OMIM 202010. Disease mechanism: loss of function.

Allele frequency attached by ClinVar (database versions not stated): gnomAD exomes 0.00032 and 0.00089; ExAC 0.00115; gnomAD 0.00309 and 0.00338; 1000 Genomes Project 30x 0.00328; ESP Exome Variant Server 0.00354; 1000 Genomes Project 0.00359; TOPMed 0.00382.
gnomAD v4.1: 952 of 1,614,112 alleles (0.059%); highest among the groups gnomAD compares: African/African-American, 1.1%; no homozygotes.

Submissions (6):

CeGaT Center for Human Genetics Tuebingen
Classification: Likely benign. Last evaluated: 2026-05-01. Review status: criteria provided, single submitter. Criteria: CeGaT Center For Human Genetics Tuebingen Variant Classification Criteria Version 2. Collection method: clinical testing. Allele origin: germline. Affected: yes. Observed: 1 variant allele.
Comment: CYP11B1: BP4, BP7, BS1

Labcorp Genetics (formerly Invitae), Labcorp
Classification: Benign. Last evaluated: 2026-01-28. Review status: criteria provided, single submitter. Criteria: Invitae Variant Classification Sherloc (09022015). Collection method: clinical testing. Allele origin: germline.

Blueprint Genetics
Classification: Likely benign. Last evaluated: 2024-09-11. Review status: criteria provided, single submitter. Criteria: ACMG Guidelines, 2015. Collection method: clinical testing. Allele origin: germline.

Athena Diagnostics
Classification: Benign. Last evaluated: 2020-03-19. Review status: criteria provided, single submitter. Criteria: Athena Diagnostics Criteria. Collection method: clinical testing. Allele origin: unknown.

Illumina Laboratory Services, Illumina
Classification: Uncertain significance for Deficiency of steroid 11-beta-monooxygenase. Last evaluated: 2018-01-12. Review status: criteria provided, single submitter. Criteria: ICSL Variant Classification Criteria 13 December 2019. Collection method: clinical testing. Allele origin: germline.

Illumina Laboratory Services, Illumina
Classification: Benign for Glucocorticoid-remediable aldosteronism. Last evaluated: 2018-01-12. Review status: criteria provided, single submitter. Criteria: ICSL Variant Classification Criteria 13 December 2019. Collection method: clinical testing. Allele origin: germline.
Comment: This variant was observed in the ICSL laboratory as part of a predisposition screen in an ostensibly healthy population. It had not been previously curated by ICSL or reported in the Human Gene Mutation Database (HGMD: prior to June 1st, 2018), and was therefore a candidate for classification through an automated scoring system. Utilizing variant allele frequency, disease prevalence and penetrance estimates, and inheritance mode, an automated score was calculated to assess if this variant is too frequent to cause the disease. Based on the score and internal cut-off values, a variant classified as benign is not then subjected to further curation. The score for this variant resulted in a classification of benign for this disease.

NM_000497.4(CYP11B1):c.825T>C (p.Tyr275=)

Genes: CYP11B1 (cytochrome P450 family 11 subfamily B member 1; minus strand), LOC106799833 (CYP11B1 recombination region; plus strand). Cytogenetic location: 8q24.3.
Variant type: single nucleotide variant.
Coding change: c.825T>C on transcript NM_000497.4 (MANE Select); coding-DNA position 825, T replaced by C.
Protein change: p.Tyr275=; no amino-acid change (tyrosine 275 retained).
Molecular consequence: synonymous variant.
Genome position (GRCh38, 1-based): chr8:142,876,370, A>G on the plus strand (T>C on the coding strand, the complement: CYP11B1 is on the minus strand). VCF-style: chr8-142876370-A-G. GRCh37 (hg19) VCF-style: chr8-143957786-A-G.
Other names: c.825T>C, p.Tyr275= (NM_001026213.1).
Identifiers: ClinVar variation 362158 (VCV000362158.22), dbSNP rs5290, ClinGen allele CA4905287.